The following is an entry in ClinVar:

ClinVar aggregate classification (germline): Uncertain significance (1 of 4 stars; one submission).

Conditions:
Hereditary cancer-predisposing syndrome. Also called: Neoplastic Syndromes, Hereditary; Tumor predisposition; Hereditary neoplastic syndrome; Hereditary Cancer Syndrome. Identifiers: Orphanet 140162, MedGen C0027672, MeSH D009386, MONDO:0015356.

Submission:

Ambry Genetics
Classification: Uncertain significance for Hereditary cancer-predisposing syndrome. Last evaluated: 2026-09-09. Review status: criteria provided, single submitter. Criteria: Ambry Variant Classification Scheme 2023. Collection method: clinical testing. Allele origin: germline.
Comment: The c.1476_1478delTCC variant (also known as p.P493del) is located in coding exon 9 of the BRCA2 gene. This variant results from an in-frame TCC deletion at nucleotide positions 1476 to 1478. This results in the in-frame deletion of a proline at codon 493. This amino acid position is not well conserved in available vertebrate species. In addition, the in silico prediction for this variant is inconclusive (Choi Y et al. PLoS ONE. 2012; 7(10):e46688). Based on the available evidence, the clinical significance of this variant remains unclear.

NM_000059.4(BRCA2):c.1476_1478del (p.Pro493del)

Gene: BRCA2 (BRCA2 DNA repair associated; plus strand). Cytogenetic location: 13q13.1.
Variant type: Deletion.
Coding change: c.1476_1478del on transcript NM_000059.4 (MANE Select); coding-DNA positions 1476 to 1478, 3 bases deleted (TCC; older notation c.1476_1478delTCC).
Protein change: p.Pro493del; deletes proline 493.
Molecular consequence: non-coding transcript variant (on NR_176251.1). On other transcripts: intron variant (1).
Genome position (GRCh38, 1-based): chr13:32,332,954-32,332,956, TCC deleted; deleting any 3 consecutive bases within chr13:32,332,953-32,332,956 gives the same sequence; the c. name uses the placement nearest the transcript's 3' end. VCF-style (leftmost placement, unchanged base first): chr13-32332952-TCTC-T. GRCh37 (hg19) VCF-style: chr13-32907089-TCTC-T.
Other names: c.1476_1478del, p.Pro493del (NM_001406719.1, NM_001406720.1, NM_001406721.1 and 1 more transcripts); c.424+1924_424+1926del (NM_001406722.1); short protein forms P493del.
Identifiers: ClinVar variation 5033367 (VCV005033367.1).